The following is an entry in ClinVar:

NM_005765.3(ATP6AP2):c.300+4A>G

Gene: ATP6AP2 (ATPase H+ transporting accessory protein 2; plus strand). Cytogenetic location: Xp11.4.
Variant type: single nucleotide variant.
Coding change: c.300+4A>G on transcript NM_005765.3 (MANE Select); 4 bases into the intron after coding-DNA position 300, A replaced by G.
Molecular consequence: intron variant.
Genome position (GRCh38, 1-based): chrX:40,591,369, A>G. VCF-style: chrX-40591369-A-G. GRCh37 (hg19) VCF-style: chrX-40450621-A-G.
Identifiers: ClinVar variation 3370766 (VCV003370766.2).

ClinVar aggregate classification (germline): Uncertain significance (1 of 4 stars; one submission).

Submission:

GeneDx
Classification: Uncertain significance. Last evaluated: 2026-10-13. Review status: criteria provided, single submitter. Criteria: GeneDx Variant Classification Process June 2021. Collection method: clinical testing. Allele origin: germline.
Comment: Not observed at significant frequency in large population cohorts (gnomAD); Has not been previously published as pathogenic or benign to our knowledge; In silico analysis suggests this variant may impact gene splicing. In the absence of RNA/functional studies, the actual effect of this sequence change is unknown.